The following continues an entry in ClinVar:

NM_206933.4(USH2A):c.4106C>T (p.Ser1369Leu)

ClinVar aggregate classification (germline): Conflicting classifications of pathogenicity. Pathogenic (8); Likely pathogenic (9); Uncertain significance (4).

Submissions 9 to 22 of 22:

Women's Health and Genetics/Laboratory Corporation of America, LabCorp
Classification: Pathogenic for Usher syndrome. Last evaluated: 2024-10-31. Review status: criteria provided, single submitter. Criteria: LabCorp Variant Classification Summary - May 2015. Collection method: clinical testing. Allele origin: germline.
Comment: Variant summary: USH2A c.4106C>T (p.Ser1369Leu) results in a non-conservative amino acid change located in the Fibronectin type III domain (IPR003961) of the encoded protein sequence. Four of five in-silico tools predict a benign effect of the variant on protein function. The variant allele was found at a frequency of 0.00016 in 250578 control chromosomes. This frequency is not significantly higher than estimated for a pathogenic variant in USH2A causing Usher Syndrome (0.00016 vs 0.011), allowing no conclusion about variant significance. c.4106C>T has been reported in the literature in multiple individuals affected with Usher Syndrome and/or with Retinitis Pigmentosa (e.g. Zhao_2015, Dad_2016, Santos_2022, Lynn_2022). Furthermore, the variant was shown to co-segregate with retinitis pigmentosa in siblings from two different families (Wang_2014, Comander_2017). The following publications have been ascertained in the context of this evaluation (PMID: 30245029, 26075083, 28981474, 16963483, 27957503, 31429209, 26927203, 24154662, 25097241, 25472526, 36003347, 36672815). To our knowledge, no experimental evidence demonstrating an impact on protein function has been reported. ClinVar contains an entry for this variant (Variation ID: 48511). Based on the evidence outlined above, the variant was classified as pathogenic.

Human Genome Sequencing Center Clinical Lab, Baylor College of Medicine
Classification: Likely pathogenic for Usher syndrome, type 2A. Last evaluated: 2024-08-28. Review status: criteria provided, single submitter. Criteria: ACMG Guidelines, 2015. Collection method: clinical testing. Allele origin: inherited. Affected: yes.
Comment: The c.4106C>T (p.Ser1369Leu) missense variant in the USH2A gene has been reported in unrelated individuals affected with hearing loss (PMID: 31816670, 27957503). This variant has also been reported in multiple individuals affected with retinitis pigmentosa (PMID: 20591486, 20801516, 24154662, 25097241, 25472526, 26075083, 26927203, 28981474, 30902645, 31429209, 32176120, 34781295, 35266249, 36003347). This variant is rare (475/1613146 chromosomes; 0.00029) in the general population database, gnomAD. It is interpreted as likely pathogenic by multiple submitters in the ClinVar (VCV000048511.56). Therefore, this variant is classified as likely pathogenic.

Fulgent Genetics
Classification: Likely pathogenic for Usher syndrome type 2A; Retinitis pigmentosa 39. Last evaluated: 2024-05-30. Review status: criteria provided, single submitter. Criteria: ACMG Guidelines, 2015. Collection method: clinical testing. Allele origin: germline.

Institute of Human Genetics, University of Leipzig Medical Center
Classification: Pathogenic for Usher syndrome type 2A. Last evaluated: 2023-08-22. Review status: criteria provided, single submitter. Criteria: ACMG Guidelines, 2015. Collection method: clinical testing. Allele origin: unknown. Inheritance: Autosomal recessive inheritance. Affected: yes.
Comment: Criteria applied: PM3_VSTR,PM1,PM2_SUP; Identified as compund heterozygous with NM_206933.4:c.2299del

CeGaT Center for Human Genetics Tuebingen
Classification: Uncertain significance. Last evaluated: 2022-08-01. Review status: criteria provided, single submitter. Criteria: CeGaT Center For Human Genetics Tuebingen Variant Classification Criteria Version 2. Collection method: clinical testing. Allele origin: germline. Affected: yes. Observed: 1 variant allele.
Comment: USH2A: PM2, PP1, BP4

DBGen Ocular Genomics
Classification: Likely pathogenic for Retinitis pigmentosa 39. Last evaluated: 2021-06-23. Review status: criteria provided, single submitter. Criteria: ACMG Guidelines, 2015. Collection method: clinical testing. Allele origin: germline. Affected: yes. Observed: 1 variant allele.

Ocular Genomics Institute, Massachusetts Eye and Ear
Classification: Likely pathogenic for Retinitis pigmentosa 39. Last evaluated: 2021-04-08. Review status: criteria provided, single submitter. Criteria: ACMG Guidelines, 2015. Collection method: research. Allele origin: germline. Affected: yes.
Comment: Through a review of available evidence we were able to apply the following criteria: PS1, PM2, PP1, PP3. Based on this evidence we have classified this variant as Likely Pathogenic.

Broad Center for Mendelian Genomics, Broad Institute of MIT and Harvard
Classification: Likely pathogenic for Retinitis pigmentosa. Last evaluated: 2021-04-01. Review status: criteria provided, single submitter. Criteria: ACMG Guidelines, 2015. Collection method: curation. Allele origin: germline. Inheritance: Autosomal recessive inheritance. Affected: yes.
Comment: Through a review of available evidence we were able to apply the following criteria: PS1, PM2, PP1, PP3. Based on this evidence we have classified this variant as Likely Pathogenic. If you have any questions about the classification please reach out to the Pierce Lab.

Revvity Omics, Revvity
Classification: Likely pathogenic. Last evaluated: 2021-03-19. Review status: criteria provided, single submitter. Criteria: ACMG Guidelines, 2015. Collection method: clinical testing. Allele origin: germline.

Genetics and Molecular Pathology, SA Pathology
Classification: Likely pathogenic for Retinitis pigmentosa 39. Last evaluated: 2021-02-03. Review status: criteria provided, single submitter. Criteria: ACMG Guidelines, 2015. Collection method: clinical testing. Allele origin: germline. Inheritance: Autosomal recessive inheritance. Affected: yes.

Institute of Human Genetics, Univ. Regensburg, Univ. Regensburg
Classification: Uncertain significance for Retinal dystrophy. Last evaluated: 2020-01-01. Review status: criteria provided, single submitter. Criteria: ACMG Guidelines, 2015. Collection method: clinical testing. Allele origin: germline. Affected: yes.

Eurofins Ntd Llc (ga)
Classification: Uncertain significance. Last evaluated: 2016-11-08. Review status: criteria provided, single submitter. Criteria: EGL Classification Definitions 2015. Collection method: clinical testing. Allele origin: germline. Observed: 1 variant allele, 1 heterozygote.

Laboratory for Molecular Medicine, Mass General Brigham Personalized Medicine
Classification: Uncertain significance. Last evaluated: 2016-10-25. Review status: criteria provided, single submitter. Criteria: LMM Criteria. Collection method: clinical testing. Allele origin: germline. Observed: 2 variant alleles.
Comment: The p.Ser1369Leu variant in USH2A has been previously reported in three individu als with Usher syndrome, one individual with retinitis pigmentosa, and one indiv idual with hearing loss (Colombo 2015, Cremers 2007, Dad 2015, Wang 2014, LMM da ta). In the proband with retinitis pigmentosa, a second variant of uncertain si gnificance was identified and the two variants segregated in an affected sibling ; however, cis/trans testing was not performed (Wang 2014). In the remaining pr obands, a pathogenic variant affecting the remaining copy of USH2A was not ident ified. This variant has been identified in 13/65610 European chromosomes by the Exome Aggregation Consortium (ExAC; dbSNP rs201 709513); however, this frequency is not high enough to rule out a pathogenic rol e. The serine (Ser) at position 1369 is not conserved through species, with 2 m ammals (squirrel and brush-tailed rat) and 2 bird species having a leucine, sugg esting that this change may be tolerated. Additional computational prediction t ools do not provide strong support for or against an impact to the protein. In summary, the clinical significance of the p.Ser1369Leu variant is uncertain.

Counsyl
Classification: Uncertain significance for Usher syndrome type 2A; Retinitis pigmentosa 39. Last evaluated: 2017-01-26. Review status: no assertion criteria provided. Collection method: clinical testing. Allele origin: unknown. Not counted in ClinVar's aggregate classification.

Literature cited by the submitters: PubMed 20591486 (cited by Labcorp Genetics (formerly Invitae), Labcorp and Human Genome Sequencing Center Clinical Lab, Baylor College of Medicine); PubMed 24154662 (cited by 9 submitters); PubMed 26927203 (cited by 3 submitters); PubMed 27957503 (cited by 5 submitters); PubMed 31047384 (cited by 3 submitters); PubMed 16963483 (cited by 4 submitters); PubMed 34781295 (cited by 4 submitters); PubMed 36003347 (cited by 4 submitters); PubMed 28981474 (cited by 6 submitters); PubMed 20301515 (cited by Victorian Clinical Genetics Services, Murdoch Childrens Research Institute); PubMed 25472526 (cited by 3 submitters); PubMed 30245029 (cited by 4 submitters); PubMed 25097241 (cited by Women's Health and Genetics/Laboratory Corporation of America, LabCorp and Human Genome Sequencing Center Clinical Lab, Baylor College of Medicine); PubMed 26075083 (cited by 5 submitters); PubMed 31429209 (cited by 3 submitters); PubMed 36672815 (cited by Women's Health and Genetics/Laboratory Corporation of America, LabCorp and Institute of Human Genetics, Univ. Regensburg, Univ. Regensburg); PubMed 31816670 (cited by Human Genome Sequencing Center Clinical Lab, Baylor College of Medicine and Institute of Human Genetics, Univ. Regensburg, Univ. Regensburg); PubMed 20801516 (cited by Human Genome Sequencing Center Clinical Lab, Baylor College of Medicine); PubMed 30902645 (cited by Human Genome Sequencing Center Clinical Lab, Baylor College of Medicine); PubMed 32176120 (cited by Human Genome Sequencing Center Clinical Lab, Baylor College of Medicine and Institute of Human Genetics, Univ. Regensburg, Univ. Regensburg); PubMed 35266249 (cited by Human Genome Sequencing Center Clinical Lab, Baylor College of Medicine and Institute of Human Genetics, Univ. Regensburg, Univ. Regensburg); PubMed 25804404 (cited by 4 submitters); PubMed 34906470 (cited by Broad Center for Mendelian Genomics, Broad Institute of MIT and Harvard); PubMed 32483926 (cited by Institute of Human Genetics, Univ. Regensburg, Univ. Regensburg); PubMed 31964843 (cited by Institute of Human Genetics, Univ. Regensburg, Univ. Regensburg); PubMed 32037395 (cited by Institute of Human Genetics, Univ. Regensburg, Univ. Regensburg); PubMed 33576794 (cited by Institute of Human Genetics, Univ. Regensburg, Univ. Regensburg); PubMed 33749171 (cited by Institute of Human Genetics, Univ. Regensburg, Univ. Regensburg); PubMed 36460718 (cited by Institute of Human Genetics, Univ. Regensburg, Univ. Regensburg); PubMed 36819107 (cited by Institute of Human Genetics, Univ. Regensburg, Univ. Regensburg).